The following is an entry in ClinVar:

ClinVar aggregate classification (germline): Uncertain significance. Review status: criteria provided, multiple submitters, no conflicts (2 of 4 stars). 2 submissions from 2 submitters: Uncertain significance (2). Last evaluated 2022-08-11.

Conditions:
Tooth agenesis, selective, 4 (STHAG4). Also called: SUCCEDANEOUS TEETH, AGENESIS OF; TOOTH AGENESIS, SELECTIVE, 4, WITH OR WITHOUT ECTODERMAL DYSPLASIA; LATERAL INCISORS, ABSENCE OF; LATERAL INCISORS, PEGGED OR MISSING. Identifiers: Orphanet 99798, MedGen C1835492, MONDO:0007881, OMIM 150400. Disease mechanism: loss of function.
Odonto-onycho-dermal dysplasia. Identifiers: Orphanet 2721, MedGen C0796093, MONDO:0009773, OMIM 257980.

Submissions (2):

Blueprint Genetics
Classification: Uncertain significance. Last evaluated: 2022-08-11. Review status: criteria provided, single submitter. Criteria: ACMG Guidelines, 2015. Collection method: clinical testing. Allele origin: germline.

Labcorp Genetics (formerly Invitae), Labcorp
Classification: Uncertain significance for Tooth agenesis, selective, 4; Odonto-onycho-dermal dysplasia. Last evaluated: 2022-06-27. Review status: criteria provided, single submitter. Criteria: Invitae Variant Classification Sherloc (09022015). Collection method: clinical testing. Allele origin: germline.
Comment: This sequence change replaces cysteine, which is neutral and slightly polar, with tryptophan, which is neutral and slightly polar, at codon 404 of the WNT10A protein (p.Cys404Trp). This variant is not present in population databases (gnomAD no frequency). This missense change has been observed in individual(s) with clinical features of odontoonychodermal dysplasia (Invitae). In at least one individual the data is consistent with being in trans (on the opposite chromosome) from a pathogenic variant. ClinVar contains an entry for this variant (Variation ID: 464179). Algorithms developed to predict the effect of missense changes on protein structure and function (SIFT, PolyPhen-2, Align-GVGD) all suggest that this variant is likely to be disruptive. In summary, the available evidence is currently insufficient to determine the role of this variant in disease. Therefore, it has been classified as a Variant of Uncertain Significance.

NM_025216.3(WNT10A):c.1212C>G (p.Cys404Trp)

Gene: WNT10A (Wnt family member 10A; plus strand). Cytogenetic location: 2q35.
Variant type: single nucleotide variant.
Coding change: c.1212C>G on transcript NM_025216.3 (MANE Select); coding-DNA position 1212, C replaced by G.
Protein change: p.Cys404Trp; replaces cysteine 404 with tryptophan.
Molecular consequence: missense variant.
Genome position (GRCh38, 1-based): chr2:218,893,229, C>G. VCF-style: chr2-218893229-C-G. GRCh37 (hg19) VCF-style: chr2-219757951-C-G.
Other names: short protein forms C404W.
Identifiers: ClinVar variation 464179 (VCV000464179.4), dbSNP rs1553623396, ClinGen allele CA350592627.